The following is an entry in ClinVar:

NM_006421.5(ARFGEF1):c.2623A>G (p.Asn875Asp)

Gene: ARFGEF1 (ARF guanine nucleotide exchange factor 1; minus strand). Cytogenetic location: 8q13.2.
Variant type: single nucleotide variant.
Coding change: c.2623A>G on transcript NM_006421.5 (MANE Select); coding-DNA position 2623, A replaced by G.
Protein change: p.Asn875Asp; replaces asparagine 875 with aspartic acid.
Molecular consequence: missense variant. On other transcripts: non-coding transcript variant (1).
Genome position (GRCh38, 1-based): chr8:67,253,526, T>C on the plus strand (A>G on the coding strand, the complement: ARFGEF1 is on the minus strand). VCF-style: chr8-67253526-T-C. GRCh37 (hg19) VCF-style: chr8-68165761-T-C.
Other names: c.2623A>G, p.Asn875Asp (NM_001413195.1, NM_001413185.1, NM_001413186.1 and 7 more transcripts); c.1198A>G, p.Asn400Asp (NM_001413196.1); c.2023A>G, p.Asn675Asp (NM_001413197.1, NM_001413188.1, NM_001413193.1); short protein forms N400D, N675D, N875D.
Identifiers: ClinVar variation 4530724 (VCV004530724.1).
Genomic context (GRCh38, chr8:67,253,526, plus strand): 5'-TTGTAGGGATTGTTAGTTCTTTTGTTTCTTTCATTGATATCTTTTTCCCAGCTATTTCAT[T>C]ATAGATGGCTGATAGATACTCTTCAGGAAGGTCTTTACTGTCATTGATACCTCTATTCAT-3'
Protein context (NP_006412.2, residues 865-885): LPEEYLSAIY[Asn875Asp]EIAGKKISMK

ClinVar aggregate classification (germline): Uncertain significance (1 of 4 stars; one submission).

Submission:

GeneDx
Classification: Uncertain significance. Last evaluated: 2025-05-22. Review status: criteria provided, single submitter. Criteria: GeneDx Variant Classification Process June 2021. Collection method: clinical testing. Allele origin: germline. Affected: yes.
Comment: Not observed at significant frequency in large population cohorts (gnomAD); In silico analysis suggests that this missense variant does not alter protein structure/function; Has not been previously published as pathogenic or benign to our knowledge